The following is an entry in ClinVar:

NM_053025.4(MYLK):c.-127+5T>C

Gene: MYLK (myosin light chain kinase; minus strand). Cytogenetic location: 3q21.1.
Variant type: single nucleotide variant.
Coding change: c.-127+5T>C on transcript NM_053025.4 (MANE Select); 5 bases into the intron after 127 bases upstream of the start codon, T replaced by C.
Molecular consequence: intron variant.
Genome position (GRCh38, 1-based): chr3:123,876,554, A>G on the plus strand (T>C on the coding strand, the complement: MYLK is on the minus strand). VCF-style: chr3-123876554-A-G. GRCh37 (hg19) VCF-style: chr3-123595401-A-G.
Other names: c.-447+5T>C (NM_001321309.2); c.-127+5T>C (NM_053028.4, NM_053026.4, NM_053027.4).
Identifiers: ClinVar variation 510688 (VCV000510688.1), dbSNP rs1301617511, ClinGen allele CA658796367.
Genomic context (GRCh38, chr3:123,876,554, plus strand): 5'-GAATCTTAGTGGCTATAATTTGGAATAAAGAAAATATAAGAATCCATCTTTTATCATGCT[A>G]TTACCTTTATTTTTTCTCTTCAGCTGGCCCGAATTGGTTTCTGTTAATTTTGAAGAATCC-3'

ClinVar aggregate classification (germline): Likely benign (1 of 4 stars; one submission).

Allele frequency attached by ClinVar (database versions not stated): TOPMed 0.00002; gnomAD 0.00003 and 0.00004.
gnomAD v4.1: 5 of 152,188 alleles (0.0033%); highest among the groups gnomAD compares: Non-Finnish European, 0.0059%; no homozygotes.

Submission:

GeneDx
Classification: Likely benign. Last evaluated: 2017-07-11. Review status: criteria provided, single submitter. Criteria: GeneDx Variant Classification (06012015). Collection method: clinical testing. Allele origin: germline. Affected: yes.
Comment: This variant is considered likely benign or benign based on one or more of the following criteria: it is a conservative change, it occurs at a poorly conserved position in the protein, it is predicted to be benign by multiple in silico algorithms, and/or has population frequency not consistent with disease.